The following is an entry in ClinVar:

NM_004656.4(BAP1):c.842T>G (p.Leu281Arg)

Gene: BAP1 (BRCA1 associated deubiquitinase 1; minus strand). Cytogenetic location: 3p21.1.
Variant type: single nucleotide variant.
Coding change: c.842T>G on transcript NM_004656.4 (MANE Select); coding-DNA position 842, T replaced by G.
Protein change: p.Leu281Arg; replaces leucine 281 with arginine.
Molecular consequence: missense variant.
Genome position (GRCh38, 1-based): chr3:52,405,854, A>C on the plus strand (T>G on the coding strand, the complement: BAP1 is on the minus strand). VCF-style: chr3-52405854-A-C. GRCh37 (hg19) VCF-style: chr3-52439870-A-C.
Other names: c.788T>G, p.Leu263Arg (NM_001410772.1); short protein forms L281R, L263R.
Identifiers: ClinVar variation 3987150 (VCV003987150.1).
Genomic context (GRCh38, chr3:52,405,854, plus strand): 5'-GCCCTGTTTGCTTCCAGCACCAGCGGGGACTTGTTGCTGGCTGACTTGGACTCCTCAGGC[A>C]GCTGTGACTCTTGAGACTTGTGGGTCTGAATCAGCTCTGGCTGTGTTACTCTTATCAGCT-3'
Protein context (NP_004647.1, residues 271-291): IQTHKSQESQ[Leu281Arg]PEESKSASNK

ClinVar aggregate classification (germline): Uncertain significance (1 of 4 stars; one submission).

Conditions:
Hereditary cancer-predisposing syndrome. Also called: Tumor predisposition; Hereditary neoplastic syndrome; Neoplastic Syndromes, Hereditary; Hereditary Cancer Syndrome. Identifiers: Orphanet 140162, MedGen C0027672, MeSH D009386, MONDO:0015356.

Submission:

Ambry Genetics
Classification: Uncertain significance for Hereditary cancer-predisposing syndrome. Last evaluated: 2025-05-27. Review status: criteria provided, single submitter. Criteria: Ambry Variant Classification Scheme 2023. Collection method: clinical testing. Allele origin: germline.
Comment: The p.L281R variant (also known as c.842T>G), located in coding exon 10 of the BAP1 gene, results from a T to G substitution at nucleotide position 842. The leucine at codon 281 is replaced by arginine, an amino acid with dissimilar properties. This amino acid position is conserved. In addition, this alteration is predicted to be tolerated by in silico analysis. Based on the available evidence, the clinical significance of this variant remains unclear.